The following is an entry in ClinVar:

NM_006230.4(POLD2):c.220G>A (p.Gly74Ser)

Gene: POLD2 (DNA polymerase delta 2, accessory subunit; minus strand). Cytogenetic location: 7p13.
Variant type: single nucleotide variant.
Coding change: c.220G>A on transcript NM_006230.4 (MANE Select); coding-DNA position 220, G replaced by A.
Protein change: p.Gly74Ser; replaces glycine 74 with serine.
Molecular consequence: missense variant.
Genome position (GRCh38, 1-based): chr7:44,121,834, C>T on the plus strand (G>A on the coding strand, the complement: POLD2 is on the minus strand). VCF-style: chr7-44121834-C-T. GRCh37 (hg19) VCF-style: chr7-44161433-C-T.
Other names: c.220G>A, p.Gly74Ser (NM_001127218.3, NM_001256879.2); short protein forms G74S.
Identifiers: ClinVar variation 2799962 (VCV002799962.3), dbSNP rs2484414012, ClinGen allele CA367386749.

ClinVar aggregate classification (germline): Uncertain significance (1 of 4 stars; one submission).

Allele frequency attached by ClinVar (database versions not stated): gnomAD exomes below 0.00001.
gnomAD v4.1: 1 of 1,611,864 alleles (0.000062%); highest among the groups gnomAD compares: Non-Finnish European, 0.000085%; no homozygotes.

Submission:

Labcorp Genetics (formerly Invitae), Labcorp
Classification: Uncertain significance. Last evaluated: 2023-03-18. Review status: criteria provided, single submitter. Criteria: Invitae Variant Classification Sherloc (09022015). Collection method: clinical testing. Allele origin: germline.
Comment: This sequence change replaces glycine, which is neutral and non-polar, with serine, which is neutral and polar, at codon 109 of the POLD2 protein (p.Gly109Ser). This variant also falls at the last nucleotide of exon 2, which is part of the consensus splice site for this exon. This variant is not present in population databases (gnomAD no frequency). This variant has not been reported in the literature in individuals affected with POLD2-related conditions. Algorithms developed to predict the effect of missense changes on protein structure and function output the following: SIFT: "Not Available"; PolyPhen-2: "Not Available"; Align-GVGD: "Not Available". The serine amino acid residue is found in multiple mammalian species, which suggests that this missense change does not adversely affect protein function. Variants that disrupt the consensus splice site are a relatively common cause of aberrant splicing (PMID: 17576681, 9536098). In summary, the available evidence is currently insufficient to determine the role of this variant in disease. Therefore, it has been classified as a Variant of Uncertain Significance.

Literature cited by the submitters: PubMed 17576681; PubMed 9536098.